The following is an entry in ClinVar:

NM_001385079.1(PDE10A):c.696C>T (p.Gly232=)

Gene: PDE10A (phosphodiesterase 10A; minus strand). Cytogenetic location: 6q27.
Variant type: single nucleotide variant.
Coding change: c.696C>T on transcript NM_001385079.1 (MANE Select); coding-DNA position 696, C replaced by T.
Protein change: p.Gly232=; no amino-acid change (glycine 232 retained).
Molecular consequence: synonymous variant. On other transcripts: 5 prime UTR variant (2).
Genome position (GRCh38, 1-based): chr6:165,662,116, G>A on the plus strand (C>T on the coding strand, the complement: PDE10A is on the minus strand). VCF-style: chr6-165662116-G-A. GRCh37 (hg19) VCF-style: chr6-166075604-G-A.
Other names: c.-103C>T (NM_001130690.3); c.-261C>T (NM_006661.4).
Identifiers: ClinVar variation 2571267 (VCV002571267.27), dbSNP rs775339790, ClinGen allele CA4092684.

ClinVar aggregate classification (germline): Likely benign (1 of 4 stars; one submission).

Allele frequency attached by ClinVar (database versions not stated): gnomAD 0.00133; TOPMed 0.00136; gnomAD exomes 0.00229; ExAC 0.03226.
gnomAD v4.1: 2,128 of 996,214 alleles (0.21%); highest among the groups gnomAD compares: Non-Finnish European, 0.24%; 1 homozygote.

Submission:

CeGaT Center for Human Genetics Tuebingen
Classification: Likely benign. Last evaluated: 2023-05-01. Review status: criteria provided, single submitter. Criteria: CeGaT Center For Human Genetics Tuebingen Variant Classification Criteria Version 2. Collection method: clinical testing. Allele origin: germline. Affected: yes. Observed: 1 variant allele.
Comment: PDE10A: BP4, BP7